The following is an entry in ClinVar:

NM_002230.4(JUP):c.1913A>C (p.Asn638Thr)

Gene: JUP (junction plakoglobin; minus strand). Cytogenetic location: 17q21.2.
Variant type: single nucleotide variant.
Coding change: c.1913A>C on transcript NM_002230.4 (MANE Select); coding-DNA position 1913, A replaced by C.
Protein change: p.Asn638Thr; replaces asparagine 638 with threonine.
Molecular consequence: missense variant.
Genome position (GRCh38, 1-based): chr17:41,757,645, T>G on the plus strand (A>C on the coding strand, the complement: JUP is on the minus strand). VCF-style: chr17-41757645-T-G. GRCh37 (hg19) VCF-style: chr17-39913897-T-G.
Other names: c.1913A>C, p.Asn638Thr (NM_001352773.2, NM_001352774.2, NM_001352775.2 and 3 more transcripts); short protein forms N638T.
Identifiers: ClinVar variation 424280 (VCV000424280.10), dbSNP rs561484928, ClinGen allele CA16620407.
Genomic context (GRCh38, chr17:41,757,645, plus strand): 5'-ATCGTGGCTGGGGGAGTGGGACCCAGCCTCCTGCCCTCCCCCAGCTCACCAGTGCCCTCG[T>G]TGCGGGAGTGCAGCAACTCCATGAGTGGGGCCGAGGCCCCCTCTGCATCAATGGCGTCGG-3'
Protein context (NP_002221.1, residues 628-648): APLMELLHSR[Asn638Thr]EGTATYAAAV

ClinVar aggregate classification (germline): Uncertain significance. Review status: criteria provided, multiple submitters, no conflicts (2 of 4 stars). 2 submissions from 2 submitters: Uncertain significance (2). Last evaluated 2025-12-03.

Conditions:
Naxos disease (NXD). Also called: KERATOSIS PALMOPLANTARIS WITH ARRHYTHMOGENIC CARDIOMYOPATHY; WOOLLY HAIR, PALMOPLANTAR KERATODERMA, AND CARDIAC ABNORMALITIES; CARDIOMYOPATHY, ARRHYTHMOGENIC RIGHT VENTRICULAR, WITH SKIN, HAIR, AND NAIL ABNORMALITIES; MAL DE NAXOS; PALMOPLANTAR KERATODERMA WITH ARRHYTHMOGENIC RIGHT VENTRICULAR CARDIOMYOPATHY AND WOOLLY HAIR. Identifiers: Orphanet 34217, MedGen C1832600, MONDO:0011017, OMIM 601214.
Arrhythmogenic right ventricular dysplasia 12. Also called: ARRHYTHMOGENIC RIGHT VENTRICULAR DYSPLASIA, FAMILIAL, 12. Identifiers: MedGen C1969081, MONDO:0012684, OMIM 611528.

Allele frequency attached by ClinVar (database versions not stated): gnomAD exomes below 0.00001; TOPMed 0.00001.
gnomAD v4.1: 1 of 1,613,742 alleles (0.000062%); highest among the groups gnomAD compares: Non-Finnish European, 0.000085%; no homozygotes.

Submissions (2):

Labcorp Genetics (formerly Invitae), Labcorp
Classification: Uncertain significance for Arrhythmogenic right ventricular dysplasia 12; Naxos disease. Last evaluated: 2025-12-03. Review status: criteria provided, single submitter. Criteria: Invitae Variant Classification Sherloc (09022015). Collection method: clinical testing. Allele origin: germline.
Comment: This sequence change replaces asparagine, which is neutral and polar, with threonine, which is neutral and polar, at codon 638 of the JUP protein (p.Asn638Thr). This variant is not present in population databases (gnomAD no frequency). This variant has not been reported in the literature in individuals affected with JUP-related conditions. ClinVar contains an entry for this variant (Variation ID: 424280). An algorithm developed to predict the effect of missense changes on protein structure and function (PolyPhen-2) suggests that this variant is likely to be disruptive. In summary, the available evidence is currently insufficient to determine the role of this variant in disease. Therefore, it has been classified as a Variant of Uncertain Significance.

GeneDx
Classification: Uncertain significance. Last evaluated: 2017-03-15. Review status: criteria provided, single submitter. Criteria: GeneDx Variant Classification (06012015). Collection method: clinical testing. Allele origin: germline. Affected: yes.
Comment: The N638T variant has not been published as pathogenic or been reported as benign to our knowledge. The N638T variant is not observed in large population cohorts (Lek et al., 2016; 1000 Genomes Consortium et al., 2015; Exome Variant Server). This substitution occurs at a position that is conserved across species. Though the N638T variant is a conservative amino acid substitution, which is not likely to impact secondary protein structure as these residues share similar properties, in silico analysis predicts this variant is probably damaging to the protein structure/function.